The following is an entry in ClinVar:

ClinVar aggregate classification (germline): Uncertain significance. Review status: criteria provided, multiple submitters, no conflicts (2 of 4 stars). 2 submissions from 2 submitters: Uncertain significance (2). Last evaluated 2025-09-18.

Conditions:
Inborn genetic diseases. Identifiers: MedGen C0950123, MeSH D030342.

Allele frequency attached by ClinVar (database versions not stated): gnomAD 0.00002; TOPMed 0.00002; ExAC 0.00005; 1000 Genomes Project 30x 0.00031; 1000 Genomes Project 0.00040.
gnomAD v4.1: 48 of 1,613,182 alleles (0.003%); highest among the groups gnomAD compares: Admixed American, 0.005%; no homozygotes.

Submissions (2):

Labcorp Genetics (formerly Invitae), Labcorp
Classification: Uncertain significance. Last evaluated: 2025-09-18. Review status: criteria provided, single submitter. Criteria: Invitae Variant Classification Sherloc (09022015). Collection method: clinical testing. Allele origin: germline.
Comment: This sequence change replaces proline, which is neutral and non-polar, with threonine, which is neutral and polar, at codon 924 of the LAMA3 protein (p.Pro924Thr). This variant is present in population databases (rs201547061, gnomAD 0.006%). This variant has not been reported in the literature in individuals affected with LAMA3-related conditions. ClinVar contains an entry for this variant (Variation ID: 3117441). Invitae Evidence Modeling of protein sequence and biophysical properties (such as structural, functional, and spatial information, amino acid conservation, physicochemical variation, residue mobility, and thermodynamic stability) indicates that this missense variant is not expected to disrupt LAMA3 protein function with a negative predictive value of 80%. In summary, the available evidence is currently insufficient to determine the role of this variant in disease. Therefore, it has been classified as a Variant of Uncertain Significance.

Ambry Genetics
Classification: Uncertain significance for Inborn genetic diseases. Last evaluated: 2023-12-15. Review status: criteria provided, single submitter. Criteria: Ambry Variant Classification Scheme 2023. Collection method: clinical testing. Allele origin: germline.

NM_198129.4(LAMA3):c.7597C>A (p.Pro2533Thr)

Gene: LAMA3 (laminin subunit alpha 3; plus strand). Cytogenetic location: 18q11.2.
Variant type: single nucleotide variant.
Coding change: c.7597C>A on transcript NM_198129.4 (MANE Select); coding-DNA position 7597, C replaced by A.
Protein change: p.Pro2533Thr; replaces proline 2533 with threonine.
Molecular consequence: missense variant.
Genome position (GRCh38, 1-based): chr18:23,914,813, C>A. VCF-style: chr18-23914813-C-A. GRCh37 (hg19) VCF-style: chr18-21494777-C-A.
Other names: c.2770C>A, p.Pro924Thr (NM_000227.6); c.7429C>A, p.Pro2477Thr (NM_001127717.4); c.2602C>A, p.Pro868Thr (NM_001127718.4); short protein forms P2477T, P2533T, P924T, P868T.
Identifiers: ClinVar variation 3117441 (VCV003117441.2), dbSNP rs201547061, ClinGen allele CA8916689.